The following is an entry in ClinVar:

ClinVar aggregate classification (germline): Likely pathogenic (1 of 4 stars; one submission).

Conditions:
FLNC-related disorder. Also called: FLNC-related condition; FLNC-related disorders.

Submission:

3billion
Classification: Likely pathogenic for FLNC-related disorder. Last evaluated: 2025-12-03. Review status: criteria provided, single submitter. Criteria: ACMG Guidelines, 2015. Collection method: clinical testing. Allele origin: germline. Affected: yes.
Comment: The variant is not observed in the gnomAD v4.1.0 dataset. Predicted Consequence/Location: Stop-gained (nonsense): predicted to result in a loss or disruption of normal protein function through nonsense-mediated decay (NMD) or protein truncation. Multiple pathogenic variants are reported downstream of the variant. Therefore, this variant is classified as Likely pathogenic according to the recommendation of ACMG/AMP guideline.

NM_001458.5(FLNC):c.6520_6533delinsAGA (p.Leu2174fs)

Genes: FLNC (filamin C; plus strand), FLNC-AS1 (FLNC antisense RNA 1; minus strand). Cytogenetic location: 7q32.1.
Variant type: Indel.
Coding change: c.6520_6533delinsAGA on transcript NM_001458.5 (MANE Select); coding-DNA positions 6520 to 6533, CTGACACGCACCTT replaced by AGA.
Protein change: p.Leu2174fs; shifts the reading frame from leucine 2174.
Molecular consequence: frameshift variant.
Genome position (GRCh38, 1-based): chr7:128,854,009-128,854,022, CTGACACGCACCTT replaced by AGA. VCF-style: chr7-128854009-CTGACACGCACCTT-AGA. GRCh37 (hg19) VCF-style: chr7-128494063-CTGACACGCACCTT-AGA.
Other names: c.6421_6434delinsAGA, p.Leu2141fs (NM_001127487.2); short protein forms L2141fs, L2174fs.
Identifiers: ClinVar variation 4856263 (VCV004856263.1).